The following is an entry in ClinVar:

NM_001351169.2(NT5C2):c.1159+232_1159+236dup

Gene: NT5C2 (5'-nucleotidase, cytosolic II; minus strand). Cytogenetic location: 10q24.32.
Variant type: Duplication.
Coding change: c.1159+232_1159+236dup on transcript NM_001351169.2 (MANE Select); bases 232 to 236 of the intron after coding-DNA position 1159, 5 bases duplicated (AAGTT; older notation c.1159+232_1159+236dupAAGTT).
Molecular consequence: intron variant.
Genome position (GRCh38, 1-based): chr10:103,092,903-103,092,907, AACTT duplicated on the plus strand (AAGTT on the coding strand, the reverse complement: NT5C2 is on the minus strand); duplicating any 5 consecutive bases within chr10:103,092,903-103,092,910 gives the same sequence; the c. name uses the placement nearest the transcript's 3' end. VCF-style (leftmost placement, unchanged base first): chr10-103092902-A-AAACTT. GRCh37 (hg19) VCF-style: chr10-104852659-A-AAACTT.
Other names: c.1072+232_1072+236dup (NM_001351174.1); c.586+232_586+236dup (NM_001351191.1, NM_001351192.1, NM_001351193.1 and 16 more transcripts); c.445+232_445+236dup (NM_001351194.2, NM_001351195.2, NM_001351196.2); c.1159+232_1159+236dup (NM_001134373.3, NM_012229.5); c.1183+232_1183+236dup (NM_001351170.2, NM_001351171.2, NM_001351172.2 and 1 more transcripts); c.1066+232_1066+236dup (NM_001351175.2); c.1159+236_1159+237insAAGTT (NM_012229.4).
Identifiers: ClinVar variation 667740 (VCV000667740.1), dbSNP rs3837340, ClinGen allele CA212323315.

ClinVar aggregate classification (germline): Benign (1 of 4 stars; one submission).

Submission:

GeneDx
Classification: Benign. Last evaluated: 2018-06-14. Review status: criteria provided, single submitter. Criteria: GeneDx Variant Classification (06012015). Collection method: clinical testing. Allele origin: germline. Affected: yes.
Comment: This variant is considered likely benign or benign based on one or more of the following criteria: it is a conservative change, it occurs at a poorly conserved position in the protein, it is predicted to be benign by multiple in silico algorithms, and/or has population frequency not consistent with disease.